The following is an entry in ClinVar:

NM_004586.3(RPS6KA3):c.1227+9A>G

Gene: RPS6KA3 (ribosomal protein S6 kinase A3; minus strand). Cytogenetic location: Xp22.12.
Variant type: single nucleotide variant.
Coding change: c.1227+9A>G on transcript NM_004586.3 (MANE Select); 9 bases into the intron after coding-DNA position 1227, A replaced by G.
Molecular consequence: intron variant.
Genome position (GRCh38, 1-based): chrX:20,175,155, T>C on the plus strand (A>G on the coding strand, the complement: RPS6KA3 is on the minus strand). VCF-style: chrX-20175155-T-C. GRCh37 (hg19) VCF-style: chrX-20193273-T-C.
Identifiers: ClinVar variation 3353821 (VCV003353821.1).

ClinVar aggregate classification (germline): Likely benign (0 of 4 stars; one submission).

Conditions:
RPS6KA3-related disorder. Also called: RPS6KA3-related condition.

gnomAD v4.1: 2 of 1,198,652 alleles (0.00017%); highest among the groups gnomAD compares: Non-Finnish European, 0.00023%; no homozygotes.

Submission:

PreventionGenetics, part of Exact Sciences
Classification: Likely benign for RPS6KA3-related condition. Last evaluated: 2024-03-07. Review status: no assertion criteria provided. Collection method: clinical testing. Allele origin: germline.
Comment: This variant is classified as likely benign based on ACMG/AMP sequence variant interpretation guidelines (Richards et al. 2015 PMID: 25741868, with internal and published modifications).